The following continues an entry in ClinVar:

NM_001379610.1(SPINK1):c.101A>G (p.Asn34Ser)

Gene: SPINK1. ClinVar aggregate classification (germline): Conflicting classifications of pathogenicity; association; risk factor. Pathogenic (12); Likely pathogenic (2); Established risk allele (1); Uncertain significance (4); Likely benign (1).

Submissions 20 to 28 of 28:

Illumina Laboratory Services, Illumina
Classification: Uncertain significance for Hereditary pancreatitis. Last evaluated: 2017-04-27. Review status: criteria provided, single submitter. Criteria: ICSL Variant Classification Criteria 13 December 2019. Collection method: clinical testing. Allele origin: germline.
Comment: This variant was observed as part of a predisposition screen in an ostensibly healthy population. A literature search was performed for the gene, cDNA change, and amino acid change (where applicable). Publications were found based on this search. However, the evidence from the literature, in combination with allele frequency data from public databases where available, was not sufficient to rule this variant in or out of causing disease. Therefore, this variant is classified as a variant of unknown significance.

Center for Human Genetics, Inc
Classification: Pathogenic for Hereditary pancreatitis. Last evaluated: 2016-11-01. Review status: criteria provided, single submitter. Criteria: ACMG Guidelines, 2015. Collection method: clinical testing. Allele origin: germline. Affected: yes.

Broad Center for Mendelian Genomics, Broad Institute of MIT and Harvard
Classification: Likely benign for Finnish congenital nephrotic syndrome. Review status: criteria provided, single submitter. Criteria: ACMG Guidelines, 2015. Collection method: research. Allele origin: germline. Inheritance: Autosomal dominant inheritance. Affected: yes.
Comment: The p.Asn34Ser variant in SPINK1 has been reported in 12 heterozygous and 6 homozygous individuals with chronic pancreatitis (PMID: 10835640). It has also been identified in >0.1% of chromosomes, including 9 homozygotes, by ExAC. In vitro functional studies provide some evidence that this variant does not impact protein function (PMID: 12483248, 17568390, 17525091). However, these types of assays may not accurately represent biological function. In summary, although additional studies are required to fully establish its clinical significance, this variant meets criteria to be classified as likely benign for autosomal dominant chronic pancreatitis.

Zotz-Klimas Genetics Lab, MVZ Zotz Klimas
Classification: Pathogenic for Hereditary pancreatitis. Last evaluated: 2023-11-02. Review status: no assertion criteria provided. Collection method: clinical testing. Allele origin: germline. Affected: yes. Not counted in ClinVar's aggregate classification.

Intergen Genetics and Rare Diseases Diagnosis Center
Classification: Established risk allele for Hereditary pancreatitis. Last evaluated: 2023-07-20. Review status: no assertion criteria provided. Collection method: case-control. Allele origin: germline. Inheritance: Autosomal dominant inheritance. Affected: no. Not counted in ClinVar's aggregate classification.

KCCC/NGS Laboratory, Kuwait Cancer Control Center
Classification: Likely risk allele for Hereditary pancreatitis. Last evaluated: 2023-06-15. Review status: no assertion criteria provided. Collection method: clinical testing. Allele origin: unknown. Inheritance: Autosomal dominant inheritance. Observed: 1 heterozygote. Not counted in ClinVar's aggregate classification.
Comment: This sequence change replaces asparagine, which is neutral and polar, with serine, which is neutral and polar, at codon 34 of the SPINK1 protein (p.Asn34Ser). This variant is present in population databases (rs17107315, gnomAD 2.0%). This variant is reported as heterozygous in ~12% of individuals affected with chronic pancreatitis and in ~1.9% of unaffected controls (PMID: 17466744). Based on this data, this variant is expected to confer ~6-12 fold increased risk for chronic pancreatitis in heterozygous carriers. Homozygous individuals have been reported in approximately 3-5% of individuals with chronic pancreatitis (PMID: 23951356, 10835640), ~0.015% of the general population (ExAC), and in no unaffected controls to date (reviewed in PMID: 17466744). Although homozygous individuals are presumed to have at least twice the risk of heterozygous carriers, an accurate odds ratio can not be calculated due to the small number of homozygous individuals in the general population. ClinVar contains an entry for this variant (Variation ID: 13760). Algorithms developed to predict the effect of missense changes on protein structure and function (SIFT, PolyPhen-2, Align-GVGD) all suggest that this variant is likely to be tolerated. Multiple studies have failed to demonstrate that this Asn34Ser missense change disrupts any known function of the SPINK1 protein (PMID: 12483248, 17568390, 17525091). In summary, this variant is a missense change that does not affect any known function of the SPINK1 protein function. While this variant is associated with a significant risk for developing chronic pancreatitis, in the absence of a deleterious protein effect it remains uncertain whether this variant directly contributes to disease or if it may be linked to an undiscovered mutation (PMID: 19299380). Therefore, it has been classified as an Increased Risk Allele.

OMIM
Classification: Uncertain significance for RECLASSIFIED - VARIANT OF UNKNOWN SIGNIFICANCE. Last evaluated: 2002-10-01. Review status: no assertion criteria provided. Collection method: literature only. Allele origin: germline. Not counted in ClinVar's aggregate classification.

Department of Pathology and Laboratory Medicine, Sinai Health System
Classification: Likely risk allele for Pancreatitis. Review status: no assertion criteria provided. Collection method: research. Allele origin: unknown. Not counted in ClinVar's aggregate classification.
Comment: The SPINK1 c.101A>G (p.Asn34Ser) variant is a commonly reported risk variant associated with pancreatitis and has been reported in >300 affected individuals, as well as in >100 unaffected controls (Di Leo_2017_PMID: 28546062; Diaconu_2009_PMID: 19565042; Masamune_2011_PMID: 21303407; Chandak_2002_PMID: 12011155; Rosendahl_2013_PMID: 22427236; Witt_2000_PMID: 10835640). In a large meta-analysis, this variant has a reported odds ratio of 9.695 (CI 95% 7.931–11.851) in pancreatitis cases vs controls (Di Leo_2017_PMID: 28546062). The variant was identified in dbSNP (ID: rs17107315) and ClinVar (classified as pathogenic by Ambry Genetics and 8 other submitters; as uncertain significance by GeneDx and 4 other submitters; as "risk factor" by Laboratory for Molecular Medicine; and as "association" by Invitae). The variant was identified in control databases in 2537 of 281004 chromosomes (23 homozygous) at a frequency of 0.009028, and was observed at the highest frequency in the South Asian population in 602 of 30476 chromosomes (freq: 0.01975) (Genome Aggregation Database March 6, 2019, v2.1.1). The p.Asn34 residue is not conserved in mammals and computational analyses (PolyPhen-2, SIFT, MutationTaster, Revel, FATHMM, MetaLR, DANN) provide inconsistent predictions regarding the impact to the protein. Three in vitro functional studies have demonstrated that this variant does not affect protein expression or trypsin inhibitory activity (Kuwata_2002_PMID: 12483248; Boulling_2007_PMID: 17568390; Kiraly_2007_PMID: 17525091). The variant occurs outside of the splicing consensus sequence and in silico or computational prediction software programs (Splice AI) do not predict a deleterious effect on splicing. In summary, based on the above information the clinical significance of this variant cannot be determined with certainty at this time. This variant is classified as a variant of uncertain significance. However, this variant may act as a risk factor for pancreatitis.

GeneReviews
No classification provided. Condition: Hereditary pancreatitis. Review status: no classification provided. Collection method: literature only. Allele origin: germline. Affected: yes. Not counted in ClinVar's aggregate classification.

Literature cited by the submitters: PubMed 17466744 (cited by Labcorp Genetics (formerly Invitae), Labcorp); PubMed 23951356 (cited by 4 submitters); PubMed 10835640 (cited by 8 submitters); PubMed 12483248 (cited by 5 submitters); PubMed 17568390 (cited by 4 submitters); PubMed 17525091 (cited by 5 submitters); PubMed 19299380 (cited by Labcorp Genetics (formerly Invitae), Labcorp); PubMed 18617776 (cited by Ambry Genetics); PubMed 22427236 (cited by 3 submitters); PubMed 12187509 (cited by 4 submitters); PubMed 11950815 (cited by 3billion); PubMed 34828289 (cited by Institute of Human Genetics, University of Leipzig Medical Center); PubMed 12011155 (cited by 4 submitters); PubMed 25206283 (cited by Sema4 and Women's Health and Genetics/Laboratory Corporation of America, LabCorp); PubMed 28556356 (cited by Laboratory for Molecular Medicine, Mass General Brigham Personalized Medicine and Women's Health and Genetics/Laboratory Corporation of America, LabCorp); PubMed 18414673 (cited by Laboratory for Molecular Medicine, Mass General Brigham Personalized Medicine); PubMed 28546062 (cited by Laboratory for Molecular Medicine, Mass General Brigham Personalized Medicine); PubMed 28984793 (cited by Laboratory for Molecular Medicine, Mass General Brigham Personalized Medicine); PubMed 18286680 (cited by Women's Health and Genetics/Laboratory Corporation of America, LabCorp); PubMed 28609377 (cited by Women's Health and Genetics/Laboratory Corporation of America, LabCorp); PubMed 24522117 (cited by Women's Health and Genetics/Laboratory Corporation of America, LabCorp); PubMed 22749696 (cited by Women's Health and Genetics/Laboratory Corporation of America, LabCorp); PubMed 19453252 (cited by Women's Health and Genetics/Laboratory Corporation of America, LabCorp); PubMed 10691414 (cited by Women's Health and Genetics/Laboratory Corporation of America, LabCorp); PubMed 17204147 (cited by Women's Health and Genetics/Laboratory Corporation of America, LabCorp); PubMed 16885867 (cited by Women's Health and Genetics/Laboratory Corporation of America, LabCorp); PubMed 12743777 (cited by Women's Health and Genetics/Laboratory Corporation of America, LabCorp); PubMed 12629264 (cited by Illumina Laboratory Services, Illumina); PubMed 12853682 (cited by Illumina Laboratory Services, Illumina); PubMed 19888199 (cited by Broad Center for Mendelian Genomics, Broad Institute of MIT and Harvard); PubMed 22995991 (cited by Broad Center for Mendelian Genomics, Broad Institute of MIT and Harvard); PubMed 19565042 (cited by Broad Center for Mendelian Genomics, Broad Institute of MIT and Harvard); PubMed 21303407 (cited by Broad Center for Mendelian Genomics, Broad Institute of MIT and Harvard); PubMed 24844923 (cited by Broad Center for Mendelian Genomics, Broad Institute of MIT and Harvard); PubMed 23741238 (cited by Broad Center for Mendelian Genomics, Broad Institute of MIT and Harvard); PubMed 21375584 (cited by Broad Center for Mendelian Genomics, Broad Institute of MIT and Harvard); PubMed 25010710 (cited by Broad Center for Mendelian Genomics, Broad Institute of MIT and Harvard); PubMed 27535533 (cited by OMIM); NCBI Bookshelf NBK190101 (cited by GeneReviews).